The following is an entry in ClinVar:

ClinVar aggregate classification (germline): Likely benign (0 of 4 stars; one submission).

Conditions:
RAI1-related disorder. Also called: RAI1-related condition.

Submission:

PreventionGenetics, part of Exact Sciences
Classification: Likely benign for RAI1-related condition. Last evaluated: 2024-07-09. Review status: no assertion criteria provided. Collection method: clinical testing. Allele origin: germline.
Comment: This variant is classified as likely benign based on ACMG/AMP sequence variant interpretation guidelines (Richards et al. 2015 PMID: 25741868, with internal and published modifications).

NM_030665.4(RAI1):c.5556C>A (p.Ala1852=)

Gene: RAI1 (retinoic acid induced 1; plus strand). Cytogenetic location: 17p11.2.
Variant type: single nucleotide variant.
Coding change: c.5556C>A on transcript NM_030665.4 (MANE Select); coding-DNA position 5556, C replaced by A.
Protein change: p.Ala1852=; no amino-acid change (alanine 1852 retained).
Molecular consequence: synonymous variant.
Genome position (GRCh38, 1-based): chr17:17,798,504, C>A. VCF-style: chr17-17798504-C-A. GRCh37 (hg19) VCF-style: chr17-17701818-C-A.
Identifiers: ClinVar variation 3347491 (VCV003347491.1).